The following is an entry in ClinVar:

NM_000075.4(CDK4):c.56C>T (p.Thr19Ile)

Gene: CDK4 (cyclin dependent kinase 4; minus strand). Cytogenetic location: 12q14.1.
Variant type: single nucleotide variant.
Coding change: c.56C>T on transcript NM_000075.4 (MANE Select); coding-DNA position 56, C replaced by T.
Protein change: p.Thr19Ile; replaces threonine 19 with isoleucine.
Molecular consequence: missense variant.
Genome position (GRCh38, 1-based): chr12:57,751,662, G>A on the plus strand (C>T on the coding strand, the complement: CDK4 is on the minus strand). VCF-style: chr12-57751662-G-A. GRCh37 (hg19) VCF-style: chr12-58145445-G-A.
Other names: short protein forms T19I.
Identifiers: ClinVar variation 1749155 (VCV001749155.2), dbSNP rs2140388639, ClinGen allele CA385549081.

ClinVar aggregate classification (germline): Uncertain significance (1 of 4 stars; one submission).

Conditions:
Hereditary cancer-predisposing syndrome. Also called: Hereditary Cancer Syndrome; Hereditary neoplastic syndrome; Neoplastic Syndromes, Hereditary; Tumor predisposition. Identifiers: Orphanet 140162, MedGen C0027672, MeSH D009386, MONDO:0015356.

Allele frequency attached by ClinVar (database versions not stated): gnomAD exomes below 0.00001.

Submission:

Ambry Genetics
Classification: Uncertain significance for Hereditary cancer-predisposing syndrome. Last evaluated: 2020-07-02. Review status: criteria provided, single submitter. Criteria: Ambry Variant Classification Scheme 2023. Collection method: clinical testing. Allele origin: germline.
Comment: The p.T19I variant (also known as c.56C>T), located in coding exon 1 of the CDK4 gene, results from a C to T substitution at nucleotide position 56. The threonine at codon 19 is replaced by isoleucine, an amino acid with similar properties. This amino acid position is well conserved in available vertebrate species. In addition, the in silico prediction for this alteration is inconclusive. Since supporting evidence is limited at this time, the clinical significance of this alteration remains unclear.